The following is an entry in ClinVar:

NM_000069.3(CACNA1S):c.4441G>A (p.Gly1481Ser)

Gene: CACNA1S (calcium voltage-gated channel subunit alpha1 S; minus strand). Cytogenetic location: 1q32.1.
Variant type: single nucleotide variant.
Coding change: c.4441G>A on transcript NM_000069.3 (MANE Select); coding-DNA position 4441, G replaced by A.
Protein change: p.Gly1481Ser; replaces glycine 1481 with serine.
Molecular consequence: missense variant.
Genome position (GRCh38, 1-based): chr1:201,048,582, C>T on the plus strand (G>A on the coding strand, the complement: CACNA1S is on the minus strand). VCF-style: chr1-201048582-C-T. GRCh37 (hg19) VCF-style: chr1-201017710-C-T.
Other names: short protein forms G1481S.
Identifiers: ClinVar variation 4681014 (VCV004681014.1).

ClinVar aggregate classification (germline): Uncertain significance (1 of 4 stars; one submission).

Submission:

GeneDx
Classification: Uncertain significance. Last evaluated: 2025-07-01. Review status: criteria provided, single submitter. Criteria: GeneDx Variant Classification Process June 2021. Collection method: clinical testing. Allele origin: germline. Affected: yes.
Comment: Not observed at significant frequency in large population cohorts (gnomAD); In silico analysis supports that this missense variant has a deleterious effect on protein structure/function; In silico analysis supports a deleterious effect on splicing; Has not been previously published as pathogenic or benign to our knowledge